The following is an entry in ClinVar:

NM_020975.6(RET):c.1666_1668del (p.Ser556del)

Gene: RET (ret proto-oncogene; plus strand). Cytogenetic location: 10q11.21.
Variant type: Deletion.
Coding change: c.1666_1668del on transcript NM_020975.6 (MANE Select); coding-DNA positions 1666 to 1668, 3 bases deleted (TCC; older notation c.1666_1668delTCC).
Protein change: p.Ser556del; deletes serine 556.
Molecular consequence: inframe deletion.
Genome position (GRCh38, 1-based): chr10:43,112,870-43,112,872, TCC deleted; deleting any 3 consecutive bases within chr10:43,112,869-43,112,872 gives the same sequence; the c. name uses the placement nearest the transcript's 3' end. VCF-style (leftmost placement, unchanged base first): chr10-43112868-TCTC-T. GRCh37 (hg19) VCF-style: chr10-43608316-TCTC-T.
Other names: c.904_906del, p.Ser302del (NM_001355216.2); c.1666_1668del, p.Ser556del (NM_001406743.1, NM_001406744.1, NM_001406759.1 and 4 more transcripts); c.1537_1539del, p.Ser513del (NM_001406761.1, NM_001406762.1, NM_001406764.1 and 1 more transcripts); c.1378_1380del, p.Ser460del (NM_001406766.1, NM_001406767.1, NM_001406770.1); c.1270_1272del, p.Ser424del (NM_001406769.1, NM_001406772.1); c.1228_1230del, p.Ser410del (NM_001406771.1, NM_001406773.1); c.1141_1143del, p.Ser381del (NM_001406774.1); c.940_942del, p.Ser314del (NM_001406775.1, NM_001406776.1, NM_001406777.1 and 1 more transcripts); and 5 more; short protein forms S381del, S460del, S410del, S556del, S73del, S161del, S214del, S226del.
Identifiers: ClinVar variation 4997284 (VCV004997284.1).

ClinVar aggregate classification (germline): Uncertain significance (1 of 4 stars; one submission).

Conditions:
RET-related disorder. Also called: RET-related condition; RET-related disease; RET-related disorders.

Submission:

PreventionGenetics, part of Exact Sciences
Classification: Uncertain significance for RET-related condition. Last evaluated: 2025-04-01. Review status: criteria provided, single submitter. Criteria: ACMG Guidelines, 2015. Collection method: clinical testing. Allele origin: germline.
Comment: The RET c.1666_1668delTCC variant is predicted to result in an in-frame deletion (p.Ser556del). To our knowledge, this variant has not been reported in the literature or in a large population database (gnomAD), indicating this variant is rare. At this time, the clinical significance of this variant is uncertain due to the absence of conclusive functional and genetic evidence.